The following is an entry in ClinVar:

NM_005431.2(XRCC2):c.172C>T (p.Leu58Phe)

Gene: XRCC2 (X-ray repair cross complementing 2; minus strand). Cytogenetic location: 7q36.1.
Variant type: single nucleotide variant.
Coding change: c.172C>T on transcript NM_005431.2 (MANE Select); coding-DNA position 172, C replaced by T.
Protein change: p.Leu58Phe; replaces leucine 58 with phenylalanine.
Molecular consequence: missense variant.
Genome position (GRCh38, 1-based): chr7:152,649,313, G>A on the plus strand (C>T on the coding strand, the complement: XRCC2 is on the minus strand). VCF-style: chr7-152649313-G-A. GRCh37 (hg19) VCF-style: chr7-152346398-G-A.
Other names: short protein forms L58F.
Identifiers: ClinVar variation 3224664 (VCV003224664.1), dbSNP rs1030204779, ClinGen allele CA370199268.

ClinVar aggregate classification (germline): Uncertain significance (1 of 4 stars; one submission).

Conditions:
Hereditary cancer-predisposing syndrome. Also called: Tumor predisposition; Hereditary neoplastic syndrome; Hereditary Cancer Syndrome; Neoplastic Syndromes, Hereditary. Identifiers: Orphanet 140162, MedGen C0027672, MeSH D009386, MONDO:0015356.

Submission:

Ambry Genetics
Classification: Uncertain significance for Hereditary cancer-predisposing syndrome. Last evaluated: 2024-01-19. Review status: criteria provided, single submitter. Criteria: Ambry Variant Classification Scheme 2023. Collection method: clinical testing. Allele origin: germline.
Comment: The p.L58F variant (also known as c.172C>T), located in coding exon 3 of the XRCC2 gene, results from a C to T substitution at nucleotide position 172. The leucine at codon 58 is replaced by phenylalanine, an amino acid with highly similar properties. This amino acid position is conserved. In addition, the in silico prediction for this alteration is inconclusive. Based on the available evidence, the clinical significance of this alteration remains unclear.